The following is an entry in ClinVar:

ClinVar aggregate classification (germline): Likely benign. Review status: criteria provided, multiple submitters, no conflicts (2 of 4 stars). 2 submissions from 2 submitters: Likely benign (2). Last evaluated 2025-10-01.

Allele frequency attached by ClinVar (database versions not stated): gnomAD 0.00003 and 0.00007; TOPMed 0.00009; gnomAD exomes 0.00014 and 0.00035; 1000 Genomes Project 0.00020; 1000 Genomes Project 30x 0.00031; ExAC 0.00034.

Submissions (2):

CeGaT Center for Human Genetics Tuebingen
Classification: Likely benign. Last evaluated: 2025-10-01. Review status: criteria provided, single submitter. Criteria: CeGaT Center For Human Genetics Tuebingen Variant Classification Criteria Version 2. Collection method: clinical testing. Allele origin: germline. Affected: yes. Observed: 1 variant allele.
Comment: WDR81: BP4, BP7

Labcorp Genetics (formerly Invitae), Labcorp
Classification: Likely benign. Last evaluated: 2019-12-31. Review status: criteria provided, single submitter. Criteria: Invitae Variant Classification Sherloc (09022015). Collection method: clinical testing. Allele origin: germline.

NM_001163809.2(WDR81):c.5685C>T (p.Ser1895=)

Gene: WDR81 (WD repeat domain 81; plus strand). Cytogenetic location: 17p13.3.
Variant type: single nucleotide variant.
Coding change: c.5685C>T on transcript NM_001163809.2 (MANE Select); coding-DNA position 5685, C replaced by T.
Protein change: p.Ser1895=; no amino-acid change (serine 1895 retained).
Molecular consequence: synonymous variant.
Genome position (GRCh38, 1-based): chr17:1,737,544, C>T. VCF-style: chr17-1737544-C-T. GRCh37 (hg19) VCF-style: chr17-1640838-C-T.
Other names: c.2076C>T, p.Ser692= (NM_001163673.2); c.2004C>T, p.Ser668= (NM_001163811.2); c.2532C>T, p.Ser844= (NM_152348.4).
Identifiers: ClinVar variation 716293 (VCV000716293.10), dbSNP rs529301790, ClinGen allele CA8273949.